The following is an entry in ClinVar:

ClinVar aggregate classification (germline): Uncertain significance (1 of 4 stars; one submission).

Submission:

Labcorp Genetics (formerly Invitae), Labcorp
Classification: Uncertain significance. Last evaluated: 2022-11-22. Review status: criteria provided, single submitter. Criteria: Invitae Variant Classification Sherloc (09022015). Collection method: clinical testing. Allele origin: germline.
Comment: In summary, the available evidence is currently insufficient to determine the role of this variant in disease. Therefore, it has been classified as a Variant of Uncertain Significance. Advanced modeling of protein sequence and biophysical properties (such as structural, functional, and spatial information, amino acid conservation, physicochemical variation, residue mobility, and thermodynamic stability) performed at Invitae indicates that this missense variant is not expected to disrupt COQ8B protein function. ClinVar contains an entry for this variant (Variation ID: 1358532). This variant has not been reported in the literature in individuals affected with COQ8B-related conditions. This variant is not present in population databases (gnomAD no frequency). This sequence change replaces valine, which is neutral and non-polar, with isoleucine, which is neutral and non-polar, at codon 330 of the COQ8B protein (p.Val330Ile).

NM_024876.4(COQ8B):c.988G>A (p.Val330Ile)

Gene: COQ8B (coenzyme Q8B; minus strand). Cytogenetic location: 19q13.2.
Variant type: single nucleotide variant.
Coding change: c.988G>A on transcript NM_024876.4 (MANE Select); coding-DNA position 988, G replaced by A.
Protein change: p.Val330Ile; replaces valine 330 with isoleucine.
Molecular consequence: missense variant.
Genome position (GRCh38, 1-based): chr19:40,700,357, C>T on the plus strand (G>A on the coding strand, the complement: COQ8B is on the minus strand). VCF-style: chr19-40700357-C-T. GRCh37 (hg19) VCF-style: chr19-41206262-C-T.
Other names: c.865G>A, p.Val289Ile (NM_001142555.3); short protein forms V330I, V289I.
Identifiers: ClinVar variation 1358532 (VCV001358532.8), dbSNP rs752758349, ClinGen allele CA405960812.